The following is an entry in ClinVar:

ClinVar aggregate classification (germline): Likely benign. Review status: criteria provided, multiple submitters, no conflicts (2 of 4 stars). 3 submissions from 3 submitters: Likely benign (3). Last evaluated 2024-11-13.

Conditions:
Cardiomyopathy (CMYO). Also called: Cardiomyopathies. Identifiers: Orphanet 167848, MedGen C0878544, MONDO:0004994, HP:0001638. Inheritance: Various modes of inheritance.
Arrhythmogenic cardiomyopathy with wooly hair and keratoderma. Also called: PALMOPLANTAR KERATODERMA WITH LEFT VENTRICULAR CARDIOMYOPATHY AND WOOLLY HAIR; Carvajal syndrome; Dilated cardiomyopathy with woolly hair and keratoderma; Arrhythmogenic cardiomyopathy with woolly hair and keratoderma. Identifiers: Orphanet 65282, MedGen C1854063, MONDO:0011581, OMIM 605676.
Arrhythmogenic right ventricular dysplasia 8 (ARVD8). Also called: ARRHYTHMOGENIC RIGHT VENTRICULAR DYSPLASIA, FAMILIAL, 8; ARRHYTHMOGENIC RIGHT VENTRICULAR CARDIOMYOPATHY 8; Arrhythmogenic Right Ventricular Dysplasia/Cardiomyopathy 8. Identifiers: MedGen C1843896, MONDO:0011831, OMIM 607450.

Allele frequency attached by ClinVar (database versions not stated): gnomAD exomes below 0.00001; gnomAD 0.00001; TOPMed 0.00001.
gnomAD v4.1: 2 of 1,614,022 alleles (0.00012%); highest among the groups gnomAD compares: Non-Finnish European, 0.00017%; no homozygotes.

Submissions (3):

Labcorp Genetics (formerly Invitae), Labcorp
Classification: Likely benign for Arrhythmogenic cardiomyopathy with wooly hair and keratoderma; Arrhythmogenic right ventricular dysplasia 8. Last evaluated: 2024-11-13. Review status: criteria provided, single submitter. Criteria: Invitae Variant Classification Sherloc (09022015). Collection method: clinical testing. Allele origin: germline.

All of Us Research Program, National Institutes of Health
Classification: Likely benign for Arrhythmogenic cardiomyopathy with wooly hair and keratoderma. Last evaluated: 2023-10-02. Review status: criteria provided, single submitter. Criteria: ACMG Guidelines, 2015. Collection method: clinical testing. Allele origin: germline. Inheritance: Autosomal dominant inheritance. Observed: 1 variant allele, 1 heterozygote.
Comment: This study involves interpretation of variants in research participants for the purpose of population health screening. Participant phenotype was not available at the time of variant classification. Additional details can be found in publication PMID: 35346344, PMCID: PMC8962531

Color Diagnostics, LLC DBA Color Health
Classification: Likely benign for Cardiomyopathy. Last evaluated: 2023-09-13. Review status: criteria provided, single submitter. Criteria: ACMG Guidelines, 2015. Collection method: clinical testing. Allele origin: germline.

NM_004415.4(DSP):c.8313C>T (p.Ala2771=)

Gene: DSP (desmoplakin; plus strand). Cytogenetic location: 6p24.3.
Variant type: single nucleotide variant.
Coding change: c.8313C>T on transcript NM_004415.4 (MANE Select); coding-DNA position 8313, C replaced by T.
Protein change: p.Ala2771=; no amino-acid change (alanine 2771 retained).
Molecular consequence: synonymous variant.
Genome position (GRCh38, 1-based): chr6:7,585,575, C>T. VCF-style: chr6-7585575-C-T. GRCh37 (hg19) VCF-style: chr6-7585808-C-T.
Other names: c.6516C>T, p.Ala2172= (NM_001008844.3); c.6984C>T, p.Ala2328= (NM_001319034.2).
Identifiers: ClinVar variation 3073560 (VCV003073560.4), dbSNP rs957236181, ClinGen allele CA133977721.